The following is an entry in ClinVar:

NM_024301.5(FKRP):c.299G>C (p.Arg100Pro)

Gene: FKRP (fukutin related protein; plus strand). Cytogenetic location: 19q13.32.
Variant type: single nucleotide variant.
Coding change: c.299G>C on transcript NM_024301.5 (MANE Select); coding-DNA position 299, G replaced by C.
Protein change: p.Arg100Pro; replaces arginine 100 with proline.
Molecular consequence: missense variant.
Genome position (GRCh38, 1-based): chr19:46,755,749, G>C. VCF-style: chr19-46755749-G-C. GRCh37 (hg19) VCF-style: chr19-47259006-G-C.
Other names: c.299G>C, p.Arg100Pro (NM_001039885.3); short protein forms R100P.
Identifiers: ClinVar variation 1509388 (VCV001509388.8), dbSNP rs1174581828, ClinGen allele CA406495058.

ClinVar aggregate classification (germline): Uncertain significance (1 of 4 stars; one submission).

Conditions:
Walker-Warburg congenital muscular dystrophy. Also called: Muscular dystrophy-dystroglycanopathy, type A; Walker-Warburg syndrome. Identifiers: Orphanet 899, MedGen C0265221, MONDO:0000171.

Submission:

Labcorp Genetics (formerly Invitae), Labcorp
Classification: Uncertain significance for Walker-Warburg congenital muscular dystrophy. Last evaluated: 2023-05-26. Review status: criteria provided, single submitter. Criteria: Invitae Variant Classification Sherloc (09022015). Collection method: clinical testing. Allele origin: germline.
Comment: In summary, the available evidence is currently insufficient to determine the role of this variant in disease. Therefore, it has been classified as a Variant of Uncertain Significance. Advanced modeling of protein sequence and biophysical properties (such as structural, functional, and spatial information, amino acid conservation, physicochemical variation, residue mobility, and thermodynamic stability) has been performed at Invitae for this missense variant, however the output from this modeling did not meet the statistical confidence thresholds required to predict the impact of this variant on FKRP protein function. ClinVar contains an entry for this variant (Variation ID: 1509388). This missense change has been observed in individual(s) with clinical features of muscular dystrophy (Invitae). This variant is not present in population databases (gnomAD no frequency). This sequence change replaces arginine, which is basic and polar, with proline, which is neutral and non-polar, at codon 100 of the FKRP protein (p.Arg100Pro).